The following is an entry in ClinVar:

ClinVar aggregate classification (germline): Likely benign (0 of 4 stars; one submission).

Conditions:
MAF-related disorder. Also called: MAF-related condition.

gnomAD v4.1: 5 of 1,178,186 alleles (0.00042%); highest among the groups gnomAD compares: East Asian, 0.0038%; no homozygotes.

Submission:

PreventionGenetics, part of Exact Sciences
Classification: Likely benign for MAF-related condition. Last evaluated: 2024-03-25. Review status: no assertion criteria provided. Collection method: clinical testing. Allele origin: germline.
Comment: This variant is classified as likely benign based on ACMG/AMP sequence variant interpretation guidelines (Richards et al. 2015 PMID: 25741868, with internal and published modifications).

NM_005360.5(MAF):c.483C>T (p.Ala161=)

Gene: MAF (MAF bZIP transcription factor; minus strand). Cytogenetic location: 16q23.2.
Variant type: single nucleotide variant.
Coding change: c.483C>T on transcript NM_005360.5 (MANE Select); coding-DNA position 483, C replaced by T.
Protein change: p.Ala161=; no amino-acid change (alanine 161 retained).
Molecular consequence: synonymous variant.
Genome position (GRCh38, 1-based): chr16:79,599,420, G>A on the plus strand (C>T on the coding strand, the complement: MAF is on the minus strand). VCF-style: chr16-79599420-G-A. GRCh37 (hg19) VCF-style: chr16-79633317-G-A.
Other names: c.483C>T, p.Ala161= (NM_001031804.3).
Identifiers: ClinVar variation 3351792 (VCV003351792.1).